The following is an entry in ClinVar:

ClinVar aggregate classification (germline): Uncertain significance (1 of 4 stars; one submission).

Submission:

Dasa
Classification: Uncertain significance. Last evaluated: 2025-04-30. Review status: criteria provided, single submitter. Criteria: DASA Assertion Criteria. Collection method: clinical testing. Allele origin: germline.
Comment: NM_000214.3(JAG1):c.3354G>C (p.Gln1118His) is a missense variant that results in the substitution of glutamine with histidine. This variant is absent from population databases. Computational prediction algorithms are consistent with a deleterious effect. The currently available literature and clinical evidence are not sufficient to establish a definitive association between this variant and the reported condition. Therefore, this variant is classified as a variant of uncertain significance.

NM_000214.3(JAG1):c.3354G>C (p.Gln1118His)

Gene: JAG1 (jagged canonical Notch ligand 1; minus strand). Cytogenetic location: 20p12.2.
Variant type: single nucleotide variant.
Coding change: c.3354G>C on transcript NM_000214.3 (MANE Select); coding-DNA position 3354, G replaced by C.
Protein change: p.Gln1118His; replaces glutamine 1118 with histidine.
Molecular consequence: missense variant.
Genome position (GRCh38, 1-based): chr20:10,639,801, C>G on the plus strand (G>C on the coding strand, the complement: JAG1 is on the minus strand). VCF-style: chr20-10639801-C-G. GRCh37 (hg19) VCF-style: chr20-10620449-C-G.
Other names: short protein forms Q1118H.
Identifiers: ClinVar variation 4883685 (VCV004883685.2).